The following is an entry in ClinVar:

ClinVar aggregate classification (germline): Uncertain significance (1 of 4 stars; one submission).

Conditions:
Tuberous sclerosis 2 (TSC2). Identifiers: Orphanet 805, MedGen C1860707, MONDO:0013199, OMIM 613254.

Submission:

Labcorp Genetics (formerly Invitae), Labcorp
Classification: Uncertain significance for Tuberous sclerosis 2. Last evaluated: 2025-01-21. Review status: criteria provided, single submitter. Criteria: Invitae Variant Classification Sherloc (09022015). Collection method: clinical testing. Allele origin: germline.
Comment: This sequence change falls in intron 13 of the TSC2 gene. It does not directly change the encoded amino acid sequence of the TSC2 protein. It affects a nucleotide within the consensus splice site. This variant is not present in population databases (gnomAD no frequency). This variant has not been reported in the literature in individuals affected with TSC2-related conditions. Variants that disrupt the consensus splice site are a relatively common cause of aberrant splicing (PMID: 17576681, 9536098). Algorithms developed to predict the effect of sequence changes on RNA splicing suggest that this variant is not likely to affect RNA splicing. In summary, the available evidence is currently insufficient to determine the role of this variant in disease. Therefore, it has been classified as a Variant of Uncertain Significance.

Literature cited by the submitters: PubMed 17576681; PubMed 9536098.

NM_000548.5(TSC2):c.1361+5G>C

Gene: TSC2 (TSC complex subunit 2; plus strand). Cytogenetic location: 16p13.3.
Variant type: single nucleotide variant.
Coding change: c.1361+5G>C on transcript NM_000548.5 (MANE Select); 5 bases into the intron after coding-DNA position 1361, G replaced by C.
Molecular consequence: intron variant.
Genome position (GRCh38, 1-based): chr16:2,062,605, G>C. VCF-style: chr16-2062605-G-C. GRCh37 (hg19) VCF-style: chr16-2112606-G-C.
Other names: c.17+5G>C (NM_001406693.1, NM_001406689.1, NM_001406690.1 and 6 more transcripts); c.1451+5G>C (NM_001406667.1, NM_001406668.1); c.761+5G>C (NM_001406680.1, NM_001406683.1, NM_001406687.1 and 6 more transcripts); c.-160+5G>C (NM_001406698.1); c.1361+5G>C (NM_001114382.3, NM_001406663.1, NM_001406664.1 and 6 more transcripts); c.1349+5G>C (NM_001406671.1, NM_001406673.1); c.899+5G>C (NM_001406681.1); c.1250+5G>C (NM_001406670.1, NM_001318827.2, NM_001406678.1); and 3 more.
Identifiers: ClinVar variation 3729282 (VCV003729282.2).